The following is an entry in ClinVar:

NM_052947.4(ALPK2):c.5197T>C (p.Ser1733Pro)

Genes: ALPK2 (alpha kinase 2; minus strand), LOC130062577 (ATAC-STARR-seq lymphoblastoid active region 13389; plus strand). Cytogenetic location: 18q21.31.
Variant type: single nucleotide variant.
Coding change: c.5197T>C on transcript NM_052947.4 (MANE Select); coding-DNA position 5197, T replaced by C.
Protein change: p.Ser1733Pro; replaces serine 1733 with proline.
Molecular consequence: missense variant.
Genome position (GRCh38, 1-based): chr18:58,534,990, A>G on the plus strand (T>C on the coding strand, the complement: ALPK2 is on the minus strand). VCF-style: chr18-58534990-A-G. GRCh37 (hg19) VCF-style: chr18-56202222-A-G.
Other names: short protein forms S1733P.
Identifiers: ClinVar variation 1745946 (VCV001745946.2), dbSNP rs2518873308, ClinGen allele CA402557597.

ClinVar aggregate classification (germline): Uncertain significance (1 of 4 stars; one submission).

Submission:

Ambry Genetics
Classification: Uncertain significance. Last evaluated: 2022-01-02. Review status: criteria provided, single submitter. Criteria: Ambry Variant Classification Scheme 2023. Collection method: clinical testing. Allele origin: germline.
Comment: The p.S1733P variant (also known as c.5197T>C), located in coding exon 4 of the ALPK2 gene, results from a T to C substitution at nucleotide position 5197. The serine at codon 1733 is replaced by proline, an amino acid with similar properties. This amino acid position is conserved. In addition, this alteration is predicted to be tolerated by in silico analysis. Since supporting evidence is limited at this time, the clinical significance of this alteration remains unclear.